The following is an entry in ClinVar:

NM_001927.4(DES):c.665G>T (p.Arg222Leu)

Gene: DES (desmin; plus strand). Cytogenetic location: 2q35.
Variant type: single nucleotide variant.
Coding change: c.665G>T on transcript NM_001927.4 (MANE Select); coding-DNA position 665, G replaced by T.
Protein change: p.Arg222Leu; replaces arginine 222 with leucine.
Molecular consequence: missense variant. On other transcripts: intron variant (1).
Genome position (GRCh38, 1-based): chr2:219,420,276, G>T. VCF-style: chr2-219420276-G-T. GRCh37 (hg19) VCF-style: chr2-220284998-G-T.
Other names: c.662G>T, p.Arg221Leu (NM_001382708.1); c.665G>T, p.Arg222Leu (NM_001382709.1, NM_001382710.1, NM_001382711.1 and 1 more transcripts); c.496-249G>T (NM_001382713.1); short protein forms R221L, R222L.
Identifiers: ClinVar variation 3749547 (VCV003749547.2).
Genomic context (GRCh38, chr2:219,420,276, plus strand): 5'-CGGTGACCATGTCCTTCTCGCTTGGCCTCTCCCAGGACGTGGATGCAGCTACTCTAGCTC[G>T]CATTGACCTGGAGCGCAGAATTGAATCTCTCAACGAGGAGATCGCGTTCCTTAAGAAAGT-3'
Protein context (NP_001918.3, residues 212-232): RADVDAATLA[Arg222Leu]IDLERRIESL

ClinVar aggregate classification (germline): Uncertain significance (1 of 4 stars; one submission).

Conditions:
Desmin-related myofibrillar myopathy (MFM1). Also called: Desminopathy; MYOFIBRILLAR MYOPATHY WITH ARRHYTHMOGENIC RIGHT VENTRICULAR CARDIOMYOPATHY; Myofibrillar myopathy 1; Desmin related myopathy (former name); Desmin storage myopathy (former name); DESMIN-RELATED MYOPATHY WITH ARRHYTHMOGENIC RIGHT VENTRICULAR CARDIOMYOPATHY. Identifiers: Orphanet 363543, Orphanet 98909, MedGen C1832370, MONDO:0011076, OMIM 601419.

gnomAD v4.1: 3 of 1,614,200 alleles (0.00019%); highest among the groups gnomAD compares: East Asian, 0.0022%; no homozygotes.

Submission:

Labcorp Genetics (formerly Invitae), Labcorp
Classification: Uncertain significance for Desmin-related myofibrillar myopathy. Last evaluated: 2025-01-28. Review status: criteria provided, single submitter. Criteria: Invitae Variant Classification Sherloc (09022015). Collection method: clinical testing. Allele origin: germline.
Comment: This sequence change replaces arginine, which is basic and polar, with leucine, which is neutral and non-polar, at codon 222 of the DES protein (p.Arg222Leu). This variant is not present in population databases (gnomAD no frequency). This variant has not been reported in the literature in individuals affected with DES-related conditions. Invitae Evidence Modeling of protein sequence and biophysical properties (such as structural, functional, and spatial information, amino acid conservation, physicochemical variation, residue mobility, and thermodynamic stability) indicates that this missense variant is expected to disrupt DES protein function with a positive predictive value of 95%. In summary, the available evidence is currently insufficient to determine the role of this variant in disease. Therefore, it has been classified as a Variant of Uncertain Significance.